The following is an entry in ClinVar:

NM_003690.5(PRKRA):c.377A>G (p.Asn126Ser)

Gene: PRKRA (protein activator of interferon induced protein kinase EIF2AK2; minus strand). Cytogenetic location: 2q31.2.
Variant type: single nucleotide variant.
Coding change: c.377A>G on transcript NM_003690.5 (MANE Select); coding-DNA position 377, A replaced by G.
Protein change: p.Asn126Ser; replaces asparagine 126 with serine.
Molecular consequence: missense variant.
Genome position (GRCh38, 1-based): chr2:178,444,441, T>C on the plus strand (A>G on the coding strand, the complement: PRKRA is on the minus strand). VCF-style: chr2-178444441-T-C. GRCh37 (hg19) VCF-style: chr2-179309168-T-C.
Other names: c.344A>G, p.Asn115Ser (NM_001139517.2); c.302A>G, p.Asn101Ser (NM_001139518.2); c.38A>G, p.Asn13Ser (NM_001316362.2); short protein forms N126S, N13S, N101S, N115S.
Identifiers: ClinVar variation 537334 (VCV000537334.8), dbSNP rs1553597653, ClinGen allele CA349404829.

ClinVar aggregate classification (germline): Uncertain significance (1 of 4 stars; one submission).

Conditions:
Dystonia 16 (DYT16). Also called: DYT-PRKRA. Identifiers: Orphanet 210571, MedGen C2677567, MONDO:0012789, OMIM 612067.

Submission:

Labcorp Genetics (formerly Invitae), Labcorp
Classification: Uncertain significance for Dystonia 16. Last evaluated: 2018-04-22. Review status: criteria provided, single submitter. Criteria: Invitae Variant Classification Sherloc (09022015). Collection method: clinical testing. Allele origin: germline.
Comment: Algorithms developed to predict the effect of missense changes on protein structure and function (SIFT, PolyPhen-2, Align-GVGD) all suggest that this variant is likely to be disruptive, but these predictions have not been confirmed by published functional studies and their clinical significance is uncertain. In summary, the available evidence is currently insufficient to determine the role of this variant in disease. Therefore, it has been classified as a Variant of Uncertain Significance. This variant has not been reported in the literature in individuals with PRKRA-related disease. This variant is not present in population databases (ExAC no frequency). This sequence change replaces asparagine with serine at codon 126 of the PRKRA protein (p.Asn126Ser). The asparagine residue is highly conserved and there is a small physicochemical difference between asparagine and serine.